The following is an entry in ClinVar:

NM_024665.7(TBL1XR1):c.259G>A (p.Val87Ile)

Gene: TBL1XR1 (TBL1X/Y related 1; minus strand). Cytogenetic location: 3q26.32.
Variant type: single nucleotide variant.
Coding change: c.259G>A on transcript NM_024665.7 (MANE Select); coding-DNA position 259, G replaced by A.
Protein change: p.Val87Ile; replaces valine 87 with isoleucine.
Molecular consequence: missense variant. On other transcripts: 5 prime UTR variant (2).
Genome position (GRCh38, 1-based): chr3:177,051,672, C>T on the plus strand (G>A on the coding strand, the complement: TBL1XR1 is on the minus strand). VCF-style: chr3-177051672-C-T. GRCh37 (hg19) VCF-style: chr3-176769460-C-T.
Other names: c.259G>A, p.Val87Ile (NM_001321193.3, NM_001321194.3, NM_001374327.1 and 2 more transcripts); c.-3G>A (NM_001321195.3, NM_001374330.1); short protein forms V87I.
Identifiers: ClinVar variation 1396467 (VCV001396467.8), dbSNP rs751513385, ClinGen allele CA2710019.

ClinVar aggregate classification (germline): Uncertain significance (1 of 4 stars; one submission).

Conditions:
Pierpont syndrome (PRPTS). Identifiers: Orphanet 487825, MedGen C1865644, MONDO:0011213, OMIM 602342.

Allele frequency attached by ClinVar (database versions not stated): gnomAD exomes below 0.00001 and 0.00001; ExAC 0.00001.
gnomAD v4.1: 8 of 1,612,348 alleles (0.0005%); highest among the groups gnomAD compares: Non-Finnish European, 0.00068%; no homozygotes.

Submission:

Labcorp Genetics (formerly Invitae), Labcorp
Classification: Uncertain significance for Pierpont syndrome. Last evaluated: 2024-04-22. Review status: criteria provided, single submitter. Criteria: Invitae Variant Classification Sherloc (09022015). Collection method: clinical testing. Allele origin: germline.
Comment: This sequence change replaces valine, which is neutral and non-polar, with isoleucine, which is neutral and non-polar, at codon 87 of the TBL1XR1 protein (p.Val87Ile). The frequency data for this variant in the population databases is considered unreliable, as metrics indicate poor data quality at this position in the gnomAD database. This variant has not been reported in the literature in individuals affected with TBL1XR1-related conditions. ClinVar contains an entry for this variant (Variation ID: 1396467). An algorithm developed to predict the effect of missense changes on protein structure and function (PolyPhen-2) suggests that this variant is likely to be tolerated. In summary, the available evidence is currently insufficient to determine the role of this variant in disease. Therefore, it has been classified as a Variant of Uncertain Significance.